The following is an entry in ClinVar:

NM_001353345.2(SETD1B):c.5686A>G (p.Lys1896Glu)

Gene: SETD1B (SET domain containing 1B, histone lysine methyltransferase; plus strand). Cytogenetic location: 12q24.31.
Variant type: single nucleotide variant.
Coding change: c.5686A>G on transcript NM_001353345.2 (MANE Select); coding-DNA position 5686, A replaced by G.
Protein change: p.Lys1896Glu; replaces lysine 1896 with glutamic acid.
Molecular consequence: missense variant.
Genome position (GRCh38, 1-based): chr12:121,828,029, A>G. VCF-style: chr12-121828029-A-G. GRCh37 (hg19) VCF-style: chr12-122265935-A-G.
Other names: short protein forms K1896E.
Identifiers: ClinVar variation 3377240 (VCV003377240.1).

ClinVar aggregate classification (germline): Likely pathogenic (1 of 4 stars; one submission).

Conditions:
Intellectual developmental disorder with seizures and language delay (IDDSELD). Identifiers: MedGen C5436574, MONDO:0033559, OMIM 619000.

Submission:

Victorian Clinical Genetics Services, Murdoch Childrens Research Institute
Classification: Likely pathogenic for Intellectual developmental disorder with seizures and language delay. Last evaluated: 2024-10-09. Review status: criteria provided, single submitter. Criteria: ACMG Guidelines, 2015. Collection method: clinical testing. Allele origin: germline. Inheritance: Autosomal dominant inheritance. Affected: yes.
Comment: Based on the classification scheme VCGS_Germline_v1.3.4, this variant is classified as Likely pathogenic. Following criteria are met: 0102 - Loss of function is a known mechanism of disease in this gene and is associated with intellectual developmental disorder with seizures and language delay (MIM#619000). (I) 0107 - This gene is associated with autosomal dominant disease. (I) 0200 - Variant is predicted to result in a missense amino acid change from lysine to glutamic acid. (I) 0251 - This variant is heterozygous. (I) 0301 - Variant is absent from gnomAD (both v2 and v3). (SP) 0502 - Missense variant with conflicting in silico predictions and uninformative conservation. (I) 0603 - Missense variant in a region that is highly intolerant to missense variation (high constraint region in DECIPHER). (SP) 0705 - No comparable missense variants have previous evidence for pathogenicity. (I) 0807 - This variant has no previous evidence of pathogenicity. (I) 0905 - No published segregation evidence has been identified for this variant. (I) 1007 - No published functional evidence has been identified for this variant. (SP) Legend: (SP) - Supporting pathogenic, (I) - Information, (SB) - Supporting benign